The following is an entry in ClinVar:

ClinVar aggregate classification (germline): Benign. Review status: criteria provided, multiple submitters, no conflicts (2 of 4 stars). 3 submissions from 3 submitters: Benign (2). 1 of the submissions does not count toward it. Last evaluated 2018-08-01.

Conditions:
CMIP-related disorder. Also called: CMIP-related condition.

Allele frequency attached by ClinVar (database versions not stated): 1000 Genomes Project 30x 0.00078; 1000 Genomes Project 0.00080; TOPMed 0.00139; ESP Exome Variant Server 0.00146; gnomAD exomes 0.00240; gnomAD 0.00247 and 0.00260; ExAC 0.00281.
gnomAD v4.1: 3,891 of 1,611,736 alleles (0.24%); highest among the groups gnomAD compares: Non-Finnish European, 0.25%; 12 homozygotes.

Submissions (3):

Labcorp Genetics (formerly Invitae), Labcorp
Classification: Benign. Last evaluated: 2018-08-01. Review status: criteria provided, single submitter. Criteria: Invitae Variant Classification Sherloc (09022015). Collection method: clinical testing. Allele origin: germline.

Breakthrough Genomics
Classification: Benign. Review status: criteria provided, single submitter. Criteria: ACMG Guidelines, 2015. Collection method: not provided. Allele origin: germline. Inheritance: Unknown mechanism. Affected: yes.

PreventionGenetics, part of Exact Sciences
Classification: Benign for CMIP-related condition. Last evaluated: 2019-06-11. Review status: no assertion criteria provided. Collection method: clinical testing. Allele origin: germline. Not counted in ClinVar's aggregate classification.
Comment: This variant is classified as benign based on ACMG/AMP sequence variant interpretation guidelines (Richards et al. 2015 PMID: 25741868, with internal and published modifications).

NM_198390.3(CMIP):c.885C>T (p.Asn295=)

Gene: CMIP (c-Maf inducing protein; plus strand). Cytogenetic location: 16q23.3.
Variant type: single nucleotide variant.
Coding change: c.885C>T on transcript NM_198390.3 (MANE Select); coding-DNA position 885, C replaced by T.
Protein change: p.Asn295=; no amino-acid change (asparagine 295 retained).
Molecular consequence: synonymous variant.
Genome position (GRCh38, 1-based): chr16:81,670,201, C>T. VCF-style: chr16-81670201-C-T. GRCh37 (hg19) VCF-style: chr16-81703806-C-T.
Other names: c.603C>T, p.Asn201= (NM_030629.3).
Identifiers: ClinVar variation 713821 (VCV000713821.6), dbSNP rs201681184, ClinGen allele CA8192248.